The following is an entry in ClinVar:

ClinVar aggregate classification (germline): Uncertain significance (1 of 4 stars; one submission).

Allele frequency attached by ClinVar (database versions not stated): gnomAD exomes below 0.00001.
gnomAD v4.1: 1 of 1,614,122 alleles (0.000062%); highest among the groups gnomAD compares: East Asian, 0.0022%; no homozygotes.

Submission:

Labcorp Genetics (formerly Invitae), Labcorp
Classification: Uncertain significance. Last evaluated: 2023-03-01. Review status: criteria provided, single submitter. Criteria: Invitae Variant Classification Sherloc (09022015). Collection method: clinical testing. Allele origin: germline.
Comment: In summary, the available evidence is currently insufficient to determine the role of this variant in disease. Therefore, it has been classified as a Variant of Uncertain Significance. Advanced modeling of protein sequence and biophysical properties (such as structural, functional, and spatial information, amino acid conservation, physicochemical variation, residue mobility, and thermodynamic stability) performed at Invitae indicates that this missense variant is not expected to disrupt PNLIP protein function. This variant has not been reported in the literature in individuals affected with PNLIP-related conditions. This variant is not present in population databases (gnomAD no frequency). This sequence change replaces valine, which is neutral and non-polar, with methionine, which is neutral and non-polar, at codon 249 of the PNLIP protein (p.Val249Met).

NM_000936.4(PNLIP):c.745G>A (p.Val249Met)

Gene: PNLIP (pancreatic lipase; plus strand). Cytogenetic location: 10q25.3.
Variant type: single nucleotide variant.
Coding change: c.745G>A on transcript NM_000936.4 (MANE Select); coding-DNA position 745, G replaced by A.
Protein change: p.Val249Met; replaces valine 249 with methionine.
Molecular consequence: missense variant.
Genome position (GRCh38, 1-based): chr10:116,555,441, G>A. VCF-style: chr10-116555441-G-A. GRCh37 (hg19) VCF-style: chr10-118314953-G-A.
Other names: short protein forms V249M.
Identifiers: ClinVar variation 2841968 (VCV002841968.3), dbSNP rs963284638, ClinGen allele CA214644458.